The following is an entry in ClinVar:

ClinVar aggregate classification (germline): Benign/Likely benign. Review status: criteria provided, multiple submitters, no conflicts (2 of 4 stars). 18 submissions from 12 submitters: Benign (8); Likely benign (10). Last evaluated 2026-09-01.

Conditions:
Geleophysic dysplasia. Identifiers: Orphanet 2623, MedGen C3489726, MONDO:0000127.
Weill-Marchesani syndrome. Also called: WM Syndrome; Mesodermal dysmorphodystrophy congenital. Identifiers: Orphanet 3449, MedGen C0265313, MONDO:0018096.
Familial thoracic aortic aneurysm and aortic dissection (TAAD). Also called: Thoracic aortic aneurysms and dissections. Identifiers: Orphanet 91387, MedGen C4707243, MONDO:0019625.
Marfan syndrome (MFS). Also called: MARFAN SYNDROME, TYPE I; Marfan syndrome, classic; FBN1-Related Marfan Syndrome; Marfan syndrome type 1; Marfan's syndrome. Identifiers: Orphanet 284963, Orphanet 558, MedGen C0024796, MONDO:0007947, OMIM 154700.
Acromicric dysplasia (ACMICD). Also called: Acromicric skeletal dysplasia. Identifiers: Orphanet 969, MedGen C0265287, MONDO:0007055, OMIM 102370.
Stiff skin syndrome (SSKS). Identifiers: Orphanet 2833, MedGen C1861456, MONDO:0008492, OMIM 184900.
Ectopia lentis 1, isolated, autosomal dominant (ECTOL1). Identifiers: Orphanet 1885, MedGen C3541518, MONDO:0007514, OMIM 129600.

Allele frequency attached by ClinVar (database versions not stated): gnomAD exomes 0.00093 and 0.00034; ExAC 0.00112; ESP Exome Variant Server 0.00377; gnomAD 0.00436 and 0.00409; 1000 Genomes Project 0.00459; 1000 Genomes Project 30x 0.00531; TOPMed 0.00453.
gnomAD v4.1: 1,116 of 1,614,168 alleles (0.069%); highest among the groups gnomAD compares: African/African-American, 1.3%; 4 homozygotes.

Submissions (18):

CeGaT Center for Human Genetics Tuebingen
Classification: Likely benign. Last evaluated: 2026-09-01. Review status: criteria provided, single submitter. Criteria: CeGaT Center For Human Genetics Tuebingen Variant Classification Criteria Version 2. Collection method: clinical testing. Allele origin: germline. Affected: yes. Observed: 3 variant alleles.
Comment: FBN1: BP4, BP7, BS1

Labcorp Genetics (formerly Invitae), Labcorp
Classification: Benign for Marfan syndrome; Familial thoracic aortic aneurysm and aortic dissection. Last evaluated: 2026-01-21. Review status: criteria provided, single submitter. Criteria: Invitae Variant Classification Sherloc (09022015). Collection method: clinical testing. Allele origin: germline.

Blueprint Genetics
Classification: Likely benign. Last evaluated: 2024-08-28. Review status: criteria provided, single submitter. Criteria: ACMG Guidelines, 2015. Collection method: clinical testing. Allele origin: germline.

Mayo Clinic Laboratories, Mayo Clinic
Classification: Benign. Last evaluated: 2023-03-16. Review status: criteria provided, single submitter. Criteria: ACMG Guidelines, 2015. Collection method: clinical testing. Allele origin: germline. Observed: 2 variant alleles.
Comment: BS1, BS2, BP4, BP7

ARUP Laboratories, Molecular Genetics and Genomics, ARUP Laboratories
Classification: Benign. Last evaluated: 2019-09-19. Review status: criteria provided, single submitter. Criteria: ARUP Molecular Germline Variant Investigation Process. Collection method: clinical testing. Allele origin: germline.

Color Diagnostics, LLC DBA Color Health
Classification: Benign for Familial thoracic aortic aneurysm and aortic dissection. Last evaluated: 2018-08-29. Review status: criteria provided, single submitter. Criteria: ACMG Guidelines, 2015. Collection method: clinical testing. Allele origin: germline.

Illumina Laboratory Services, Illumina
Classification: Likely benign for Ectopia lentis 1, isolated, autosomal dominant. Last evaluated: 2018-02-02. Review status: criteria provided, single submitter. Criteria: ICSL Variant Classification Criteria 13 December 2019. Collection method: clinical testing. Allele origin: germline.
Comment: This variant was observed as part of a predisposition screen in an ostensibly healthy population. A literature search was performed for the gene, cDNA change, and amino acid change (where applicable). No publications were found based on this search. Allele frequency data from public databases allowed determination this variant is unlikely to cause disease. Therefore, this variant is classified as likely benign.

Illumina Laboratory Services, Illumina
Classification: Likely benign for Stiff skin syndrome. Last evaluated: 2018-02-02. Review status: criteria provided, single submitter. Criteria: ICSL Variant Classification Criteria 13 December 2019. Collection method: clinical testing. Allele origin: germline.
Comment: the same text as in the submission from Illumina Laboratory Services, Illumina above.

Illumina Laboratory Services, Illumina
Classification: Likely benign for Geleophysic dysplasia. Last evaluated: 2018-02-02. Review status: criteria provided, single submitter. Criteria: ICSL Variant Classification Criteria 13 December 2019. Collection method: clinical testing. Allele origin: germline.
Comment: the same text as in the submission from Illumina Laboratory Services, Illumina above.

Illumina Laboratory Services, Illumina
Classification: Likely benign for Weill-Marchesani syndrome. Last evaluated: 2018-02-02. Review status: criteria provided, single submitter. Criteria: ICSL Variant Classification Criteria 13 December 2019. Collection method: clinical testing. Allele origin: germline.
Comment: the same text as in the submission from Illumina Laboratory Services, Illumina above.

Illumina Laboratory Services, Illumina
Classification: Likely benign for Acromicric dysplasia. Last evaluated: 2018-02-02. Review status: criteria provided, single submitter. Criteria: ICSL Variant Classification Criteria 13 December 2019. Collection method: clinical testing. Allele origin: germline.
Comment: the same text as in the submission from Illumina Laboratory Services, Illumina above.

Illumina Laboratory Services, Illumina
Classification: Likely benign for Familial thoracic aortic aneurysm and aortic dissection. Last evaluated: 2018-02-02. Review status: criteria provided, single submitter. Criteria: ICSL Variant Classification Criteria 13 December 2019. Collection method: clinical testing. Allele origin: germline.
Comment: the same text as in the submission from Illumina Laboratory Services, Illumina above.

Illumina Laboratory Services, Illumina
Classification: Likely benign for Marfan syndrome. Last evaluated: 2018-02-02. Review status: criteria provided, single submitter. Criteria: ICSL Variant Classification Criteria 13 December 2019. Collection method: clinical testing. Allele origin: germline.
Comment: the same text as in the submission from Illumina Laboratory Services, Illumina above.

Ambry Genetics
Classification: Benign for Familial thoracic aortic aneurysm and aortic dissection. Last evaluated: 2015-07-29. Review status: criteria provided, single submitter. Criteria: Ambry Variant Classification Scheme 2023. Collection method: clinical testing. Allele origin: germline.

Laboratory for Molecular Medicine, Mass General Brigham Personalized Medicine
Classification: Benign. Last evaluated: 2014-08-18. Review status: criteria provided, single submitter. Criteria: LMM Criteria. Collection method: clinical testing. Allele origin: germline. Observed: 2 variant alleles.
Comment: Pro1225Pro in exon 29 of FBN1: This variant is not expected to have clinical sig nificance because it does not alter an amino acid residue, is not located within the splice consensus sequence and has been identified in 1.1% (49/4396) of Afri can American chromosomes from a broad population by the NHLBI Exome Sequencing P roject (dbSNP rs148147223).

GeneDx
Classification: Benign. Last evaluated: 2014-02-06. Review status: criteria provided, single submitter. Criteria: GeneDx Variant Classification (06012015). Collection method: clinical testing. Allele origin: germline. Affected: yes.
Comment: This variant is considered likely benign or benign based on one or more of the following criteria: it is a conservative change, it occurs at a poorly conserved position in the protein, it is predicted to be benign by multiple in silico algorithms, and/or has population frequency not consistent with disease.

Women's Health and Genetics/Laboratory Corporation of America, LabCorp
Classification: Benign for Marfan Syndrome. Last evaluated: 2011-08-18. Review status: criteria provided, single submitter. Criteria: LabCorp Variant Classification Summary - May 2015. Collection method: clinical testing. Allele origin: germline. Inheritance: autosomal unknown.
ClinVar note: Converted during submission from benign to Benign.

Breakthrough Genomics
Classification: Likely benign. Review status: criteria provided, single submitter. Criteria: ACMG Guidelines, 2015. Collection method: not provided. Allele origin: germline. Inheritance: Autosomal dominant inheritance. Affected: yes.

Literature cited by the submitters: PubMed 10189222 (cited by Laboratory for Molecular Medicine, Mass General Brigham Personalized Medicine and Women's Health and Genetics/Laboratory Corporation of America, LabCorp).

NM_000138.5(FBN1):c.3675G>A (p.Pro1225=)

Gene: FBN1 (fibrillin 1; minus strand). Cytogenetic location: 15q21.1.
Variant type: single nucleotide variant.
Coding change: c.3675G>A on transcript NM_000138.5 (MANE Select); coding-DNA position 3675, G replaced by A.
Protein change: p.Pro1225=; no amino-acid change (proline 1225 retained).
Molecular consequence: synonymous variant.
Genome position (GRCh38, 1-based): chr15:48,485,411, C>T on the plus strand (G>A on the coding strand, the complement: FBN1 is on the minus strand). VCF-style: chr15-48485411-C-T. GRCh37 (hg19) VCF-style: chr15-48777608-C-T.
Other names: p.P1225P:CCG>CCA; p.Pro1225=.
Identifiers: ClinVar variation 36071 (VCV000036071.41), dbSNP rs148147223, ClinGen allele CA014448.
Genomic context (GRCh38, chr15:48,485,411, plus strand): 5'-ACATGAGGCTAGAACCTACTCACCGGTGCATGATCTCTGGTCAGGCATTAGTGCAAATCC[C>T]GGCTGACAGCTACATTCATAGCTGCCTTCAGAGTTTGTGCAGAAGGTTTCACAACCACCA-3'
Protein context (NP_000129.3, residues 1215-1235): SEGSYECSCQ[Pro1225=]GFALMPDQRS